The following is an entry in ClinVar:

ClinVar aggregate classification (germline): Uncertain significance (1 of 4 stars; one submission).

gnomAD v4.1: 4 of 1,613,920 alleles (0.00025%); highest among the groups gnomAD compares: Non-Finnish European, 0.00034%; no homozygotes.

Submission:

Labcorp Genetics (formerly Invitae), Labcorp
Classification: Uncertain significance. Last evaluated: 2024-07-29. Review status: criteria provided, single submitter. Criteria: Invitae Variant Classification Sherloc (09022015). Collection method: clinical testing. Allele origin: germline.
Comment: This sequence change replaces arginine, which is basic and polar, with glycine, which is neutral and non-polar, at codon 696 of the CNGB3 protein (p.Arg696Gly). This variant is present in population databases (no rsID available, gnomAD 0.0009%). This variant has not been reported in the literature in individuals affected with CNGB3-related conditions. Advanced modeling of protein sequence and biophysical properties (such as structural, functional, and spatial information, amino acid conservation, physicochemical variation, residue mobility, and thermodynamic stability) performed at Invitae indicates that this missense variant is not expected to disrupt CNGB3 protein function with a negative predictive value of 80%. In summary, the available evidence is currently insufficient to determine the role of this variant in disease. Therefore, it has been classified as a Variant of Uncertain Significance.

NM_019098.5(CNGB3):c.2086C>G (p.Arg696Gly)

Gene: CNGB3 (cyclic nucleotide gated channel subunit beta 3; minus strand). Cytogenetic location: 8q21.3.
Variant type: single nucleotide variant.
Coding change: c.2086C>G on transcript NM_019098.5 (MANE Select); coding-DNA position 2086, C replaced by G.
Protein change: p.Arg696Gly; replaces arginine 696 with glycine.
Molecular consequence: missense variant.
Genome position (GRCh38, 1-based): chr8:86,578,706, G>C on the plus strand (C>G on the coding strand, the complement: CNGB3 is on the minus strand). VCF-style: chr8-86578706-G-C. GRCh37 (hg19) VCF-style: chr8-87590934-G-C.
Other names: short protein forms R696G.
Identifiers: ClinVar variation 3614084 (VCV003614084.2).